The following is an entry in ClinVar:

NM_000168.6(GLI3):c.935C>T (p.Thr312Met)

Gene: GLI3 (GLI family zinc finger 3; minus strand). Cytogenetic location: 7p14.1.
Variant type: single nucleotide variant.
Coding change: c.935C>T on transcript NM_000168.6 (MANE Select); coding-DNA position 935, C replaced by T.
Protein change: p.Thr312Met; replaces threonine 312 with methionine.
Molecular consequence: missense variant.
Genome position (GRCh38, 1-based): chr7:42,040,131, G>A on the plus strand (C>T on the coding strand, the complement: GLI3 is on the minus strand). VCF-style: chr7-42040131-G-A. GRCh37 (hg19) VCF-style: chr7-42079730-G-A.
Other names: short protein forms T312M.
Identifiers: ClinVar variation 912210 (VCV000912210.7), dbSNP rs772929930, ClinGen allele CA4231017.

ClinVar aggregate classification (germline): Benign/Likely benign. Review status: criteria provided, multiple submitters, no conflicts (2 of 4 stars). 4 submissions from 2 submitters: Benign (3); Likely benign (1). Last evaluated 2023-11-19.

Conditions:
Pallister-Hall syndrome (PHS). Also called: HYPOTHALAMIC HAMARTOBLASTOMA, HYPOPITUITARISM, IMPERFORATE ANUS, AND POSTAXIAL POLYDACTYLY; GLI3-Related Pallister-Hall Syndrome. Identifiers: Orphanet 672, MedGen C0265220, MONDO:0007804, OMIM 146510.
Greig cephalopolysyndactyly syndrome (GCPS). Also called: Greig syndrome; POLYSYNDACTYLY WITH PECULIAR SKULL SHAPE; GLI3-Related Greig Cephalopolysyndactyly Syndrome. Identifiers: Orphanet 380, MedGen C0265306, MONDO:0008287, OMIM 175700.
Polydactyly. Also called: polydactylism. Identifiers: MedGen C0152427, MONDO:0021003, OMIM 603596, HP:0010442.

Allele frequency attached by ClinVar (database versions not stated): gnomAD exomes 0.00001 and 0.00002; gnomAD 0.00002; TOPMed 0.00002; ExAC 0.00003.

Submissions (4):

Labcorp Genetics (formerly Invitae), Labcorp
Classification: Likely benign for Pallister-Hall syndrome; Greig cephalopolysyndactyly syndrome. Last evaluated: 2023-11-19. Review status: criteria provided, single submitter. Criteria: Invitae Variant Classification Sherloc (09022015). Collection method: clinical testing. Allele origin: germline.

Illumina Laboratory Services, Illumina
Classification: Benign for Polydactyly. Last evaluated: 2018-01-12. Review status: criteria provided, single submitter. Criteria: ICSL Variant Classification Criteria 13 December 2019. Collection method: clinical testing. Allele origin: germline.
Comment: This variant was observed in the ICSL laboratory as part of a predisposition screen in an ostensibly healthy population. It had not been previously curated by ICSL or reported in the Human Gene Mutation Database (HGMD: prior to June 1st, 2018), and was therefore a candidate for classification through an automated scoring system. Utilizing variant allele frequency, disease prevalence and penetrance estimates, and inheritance mode, an automated score was calculated to assess if this variant is too frequent to cause the disease. Based on the score and internal cut-off values, a variant classified as benign is not then subjected to further curation. The score for this variant resulted in a classification of benign for this disease.

Illumina Laboratory Services, Illumina
Classification: Benign for Greig cephalopolysyndactyly syndrome. Last evaluated: 2018-01-12. Review status: criteria provided, single submitter. Criteria: ICSL Variant Classification Criteria 13 December 2019. Collection method: clinical testing. Allele origin: germline.
Comment: the same text as in the submission from Illumina Laboratory Services, Illumina above.

Illumina Laboratory Services, Illumina
Classification: Benign for Pallister-Hall syndrome. Last evaluated: 2018-01-12. Review status: criteria provided, single submitter. Criteria: ICSL Variant Classification Criteria 13 December 2019. Collection method: clinical testing. Allele origin: germline.
Comment: the same text as in the submission from Illumina Laboratory Services, Illumina above.